The following is an entry in ClinVar:

ClinVar aggregate classification (germline): Uncertain significance (1 of 4 stars; one submission).

Submission:

Ambry Genetics
Classification: Uncertain significance. Last evaluated: 2026-06-02. Review status: criteria provided, single submitter. Criteria: Ambry Variant Classification Scheme 2023. Collection method: clinical testing. Allele origin: germline.
Comment: The p.V170L variant (also known as c.508G>C), located in coding exon 1 of the MC1R gene, results from a G to C substitution at nucleotide position 508. The valine at codon 170 is replaced by leucine, an amino acid with highly similar properties. This amino acid position is conserved. In addition, this alteration is predicted to be tolerated by in silico analysis. Based on the available evidence, the clinical significance of this variant remains unclear.

NM_002386.4(MC1R):c.508G>C (p.Val170Leu)

Gene: MC1R (melanocortin 1 receptor; plus strand). Cytogenetic location: 16q24.3.
Variant type: single nucleotide variant.
Coding change: c.508G>C on transcript NM_002386.4 (MANE Select); coding-DNA position 508, G replaced by C.
Protein change: p.Val170Leu; replaces valine 170 with leucine.
Molecular consequence: missense variant.
Genome position (GRCh38, 1-based): chr16:89,919,766, G>C. VCF-style: chr16-89919766-G-C. GRCh37 (hg19) VCF-style: chr16-89986174-G-C.
Other names: short protein forms V170L.
Identifiers: ClinVar variation 4859676 (VCV004859676.1).
Genomic context (GRCh38, chr16:89,919,766, plus strand): 5'-CTGCGCTACCACAGCATCGTGACCCTGCCGCGGGCGCGGCGAGCCGTTGCGGCCATCTGG[G>C]TGGCCAGTGTCGTCTTCAGCACGCTCTTCATCGCCTACTACGACCACGTGGCCGTCCTGC-3'
Protein context (NP_002377.4, residues 160-180): RARRAVAAIW[Val170Leu]ASVVFSTLFI